The following is an entry in ClinVar:

NM_001144967.3(NEDD4L):c.1106C>G (p.Thr369Arg)

Gene: NEDD4L (NEDD4 like E3 ubiquitin protein ligase; plus strand). Cytogenetic location: 18q21.31.
Variant type: single nucleotide variant.
Coding change: c.1106C>G on transcript NM_001144967.3 (MANE Select); coding-DNA position 1106, C replaced by G.
Protein change: p.Thr369Arg; replaces threonine 369 with arginine.
Molecular consequence: missense variant. On other transcripts: intron variant (5).
Genome position (GRCh38, 1-based): chr18:58,335,518, C>G. VCF-style: chr18-58335518-C-G. GRCh37 (hg19) VCF-style: chr18-56002750-C-G.
Other names: c.1106C>G (NM_001144967.2); c.743C>G, p.Thr248Arg (NM_001144964.1, NM_001144965.2, NM_001144966.3); c.1082C>G, p.Thr361Arg (NM_001144968.2); c.1065+1626C>G (NM_015277.6, NM_001243960.2); c.702+1626C>G (NM_001144971.2, NM_001144970.3); c.1041+1626C>G (NM_001144969.2); short protein forms T248R, T361R, T369R.
Identifiers: ClinVar variation 1234707 (VCV001234707.8), dbSNP rs199527463, ClinGen allele CA8975568.
Genomic context (GRCh38, chr18:58,335,518, plus strand): 5'-ATGTAAATTATCATTCACAGCCCAGTGCCCCAGCTGGGAGAGCGCGTTCATCAACTGTCA[C>G]GGGTGGTGAGGAACCAACGGTAATGATCCACTTTATCAGACATCAATAGCAAGAGGCCGT-3'
Protein context (NP_001138439.1, residues 359-379): PAGRARSSTV[Thr369Arg]GGEEPTPSVA

ClinVar aggregate classification (germline): Benign/Likely benign. Review status: criteria provided, multiple submitters, no conflicts (2 of 4 stars). 5 submissions from 5 submitters: Benign (2); Likely benign (2). 1 of the submissions does not count toward it. Last evaluated 2026-09-01.

Conditions:
NEDD4L-related disorder. Also called: NEDD4L-related condition.

Allele frequency attached by ClinVar (database versions not stated): 1000 Genomes Project 30x 0.00016; 1000 Genomes Project 0.00020; ESP Exome Variant Server 0.00087.
gnomAD v4.1: 1,153 of 1,613,470 alleles (0.071%); highest among the groups gnomAD compares: Non-Finnish European, 0.09%; 1 homozygote.

Submissions (5):

CeGaT Center for Human Genetics Tuebingen
Classification: Likely benign. Last evaluated: 2026-09-01. Review status: criteria provided, single submitter. Criteria: CeGaT Center For Human Genetics Tuebingen Variant Classification Criteria Version 2. Collection method: clinical testing. Allele origin: germline. Affected: yes. Observed: 1 variant allele.
Comment: NEDD4L: BP4, BS1

Blueprint Genetics
Classification: Likely benign. Last evaluated: 2024-10-17. Review status: criteria provided, single submitter. Criteria: ACMG Guidelines, 2015. Collection method: clinical testing. Allele origin: germline.

GeneDx
Classification: Benign. Last evaluated: 2021-03-06. Review status: criteria provided, single submitter. Criteria: GeneDx Variant Classification Process June 2021. Collection method: clinical testing. Allele origin: germline. Affected: yes.

Breakthrough Genomics
Classification: Benign. Review status: criteria provided, single submitter. Criteria: ACMG Guidelines, 2015. Collection method: not provided. Allele origin: germline. Inheritance: Autosomal dominant inheritance. Affected: yes.

PreventionGenetics, part of Exact Sciences
Classification: Likely benign for NEDD4L-related condition. Last evaluated: 2023-01-09. Review status: no assertion criteria provided. Collection method: clinical testing. Allele origin: germline. Not counted in ClinVar's aggregate classification.
Comment: This variant is classified as likely benign based on ACMG/AMP sequence variant interpretation guidelines (Richards et al. 2015 PMID: 25741868, with internal and published modifications).